The following is an entry in ClinVar:

NM_003907.3(EIF2B5):c.820C>T (p.Arg274Ter)

Gene: EIF2B5 (eukaryotic translation initiation factor 2B subunit epsilon; plus strand). Cytogenetic location: 3q27.1.
Variant type: single nucleotide variant.
Coding change: c.820C>T on transcript NM_003907.3 (MANE Select); coding-DNA position 820, C replaced by T.
Protein change: p.Arg274Ter; replaces arginine 274 with a stop codon.
Molecular consequence: nonsense.
Genome position (GRCh38, 1-based): chr3:184,140,134, C>T. VCF-style: chr3-184140134-C-T. GRCh37 (hg19) VCF-style: chr3-183857922-C-T.
Other names: short protein forms R274*.
Identifiers: ClinVar variation 1335978 (VCV001335978.9), dbSNP rs1334515681, ClinGen allele CA355383534.

ClinVar aggregate classification (germline): Pathogenic. Review status: criteria provided, multiple submitters, no conflicts (2 of 4 stars). 2 submissions from 2 submitters: Pathogenic (2). Last evaluated 2021-07-28.

Allele frequency attached by ClinVar (database versions not stated): gnomAD exomes below 0.00001; TOPMed below 0.00001; gnomAD 0.00001.
gnomAD v4.1: 17 of 1,613,666 alleles (0.0011%); highest among the groups gnomAD compares: East Asian, 0.0045%; no homozygotes.

Submissions (2):

Labcorp Genetics (formerly Invitae), Labcorp
Classification: Pathogenic. Last evaluated: 2021-07-28. Review status: criteria provided, single submitter. Criteria: Invitae Variant Classification Sherloc (09022015). Collection method: clinical testing. Allele origin: germline.
Comment: For these reasons, this variant has been classified as Pathogenic. Algorithms developed to predict the effect of sequence changes on RNA splicing suggest that this variant may create or strengthen a splice site. This variant has not been reported in the literature in individuals affected with EIF2B5-related conditions. This variant is not present in population databases (ExAC no frequency). This sequence change creates a premature translational stop signal (p.Arg274*) in the EIF2B5 gene. It is expected to result in an absent or disrupted protein product. Loss-of-function variants in EIF2B5 are known to be pathogenic (PMID: 11704758, 15060152, 21307862).

Genetic Services Laboratory, University of Chicago
Classification: Pathogenic. Last evaluated: 2017-08-31. Review status: criteria provided, single submitter. Criteria: ACMG Guidelines, 2015. Collection method: clinical testing. Allele origin: germline. Affected: yes.

Literature cited by the submitters: PubMed 11704758 (cited by Labcorp Genetics (formerly Invitae), Labcorp); PubMed 15060152 (cited by Labcorp Genetics (formerly Invitae), Labcorp); PubMed 21307862 (cited by Labcorp Genetics (formerly Invitae), Labcorp).